The following is an entry in ClinVar:

NM_014905.5(GLS):c.-212GCA[9]

Genes: GLS (glutaminase; plus strand), LOC129935268 (ATAC-STARR-seq lymphoblastoid silent region 12186; plus strand). Cytogenetic location: 2q32.2.
Variant type: Microsatellite.
Coding change: c.-212GCA[9] on transcript NM_014905.5 (MANE Select); nine copies in a row of the 3-base unit GCA starting at c.-212; the reference has 16 copies in a row; seven copies, 21 bases deleted.
Molecular consequence: 5 prime UTR variant.
Genome position (GRCh38, 1-based): chr2:190,880,900-190,880,920, GCAGCAGCAGCAGCAGCAGCA deleted; deleting any 21 consecutive bases within chr2:190,880,873-190,880,920 gives the same sequence; the position shown is the placement nearest the transcript's 3' end. VCF-style (leftmost placement, unchanged base first): chr2-190880872-CGCAGCAGCAGCAGCAGCAGCA-C. GRCh37 (hg19) VCF-style: chr2-191745598-CGCAGCAGCAGCAGCAGCAGCA-C.
Other names: c.-212GCA[9] (NM_001256310.2).
Identifiers: ClinVar variation 3032445 (VCV003032445.2), dbSNP rs57674096, ClinGen allele CA762383379.
Genomic context (GRCh38, chr2:190,880,872, plus strand): 5'-TTTAGCCTCAGTGCGGAGCCTTAGGCGGAGCGAAGAGAACCGGTCGCGGCAATCCTAGCG[CGCAGCAGCAGCAGCAGCAGCA>C]GCAGCAGCAGCAGCAGCAGCAGCAGCACCCGCATCCGCTGCGGGAGTCCGAGCCGGAACC-3'

ClinVar aggregate classification (germline): Likely benign (0 of 4 stars; one submission).

Conditions:
GLS-related disorder. Also called: GLS-related condition.

Submission:

PreventionGenetics, part of Exact Sciences
Classification: Likely benign for GLS-related condition. Last evaluated: 2022-11-17. Review status: no assertion criteria provided. Collection method: clinical testing. Allele origin: germline.
Comment: This variant is classified as likely benign based on ACMG/AMP sequence variant interpretation guidelines (Richards et al. 2015 PMID: 25741868, with internal and published modifications).